The following is an entry in ClinVar:

NM_025074.7(FRAS1):c.1140G>T (p.Lys380Asn)

Gene: FRAS1 (Fraser extracellular matrix complex subunit 1; plus strand). Cytogenetic location: 4q21.21.
Variant type: single nucleotide variant.
Coding change: c.1140G>T on transcript NM_025074.7 (MANE Select); coding-DNA position 1140, G replaced by T.
Protein change: p.Lys380Asn; replaces lysine 380 with asparagine.
Molecular consequence: missense variant.
Genome position (GRCh38, 1-based): chr4:78,282,852, G>T. VCF-style: chr4-78282852-G-T. GRCh37 (hg19) VCF-style: chr4-79204006-G-T.
Other names: c.1140G>T, p.Lys380Asn (NM_001166133.2); short protein forms K380N.
Identifiers: ClinVar variation 2981431 (VCV002981431.3), dbSNP rs780789232, ClinGen allele CA2976199.

ClinVar aggregate classification (germline): Uncertain significance (1 of 4 stars; one submission).

Allele frequency attached by ClinVar (database versions not stated): gnomAD exomes below 0.00001; ExAC 0.00001.
gnomAD v4.1: 2 of 1,613,304 alleles (0.00012%); highest among the groups gnomAD compares: Non-Finnish European, 0.00017%; no homozygotes.

Submission:

Labcorp Genetics (formerly Invitae), Labcorp
Classification: Uncertain significance. Last evaluated: 2023-12-26. Review status: criteria provided, single submitter. Criteria: Invitae Variant Classification Sherloc (09022015). Collection method: clinical testing. Allele origin: germline.
Comment: This sequence change replaces lysine, which is basic and polar, with asparagine, which is neutral and polar, at codon 380 of the FRAS1 protein (p.Lys380Asn). This variant is present in population databases (rs780789232, gnomAD 0.0009%). This variant has not been reported in the literature in individuals affected with FRAS1-related conditions. An algorithm developed to predict the effect of missense changes on protein structure and function (PolyPhen-2) suggests that this variant is likely to be tolerated. In summary, the available evidence is currently insufficient to determine the role of this variant in disease. Therefore, it has been classified as a Variant of Uncertain Significance.